The following is an entry in ClinVar:

NM_020822.3(KCNT1):c.3197T>C (p.Val1066Ala)

Gene: KCNT1 (potassium sodium-activated channel subfamily T member 1; plus strand). Cytogenetic location: 9q34.3.
Variant type: single nucleotide variant.
Coding change: c.3197T>C on transcript NM_020822.3 (MANE Select); coding-DNA position 3197, T replaced by C.
Protein change: p.Val1066Ala; replaces valine 1066 with alanine.
Molecular consequence: missense variant.
Genome position (GRCh38, 1-based): chr9:135,786,216, T>C. VCF-style: chr9-135786216-T-C. GRCh37 (hg19) VCF-style: chr9-138678062-T-C.
Other names: c.3062T>C, p.Val1021Ala (NM_001272003.2); short protein forms V1066A, V1021A.
Identifiers: ClinVar variation 449643 (VCV000449643.12), dbSNP rs1554780631, ClinGen allele CA375491472.

ClinVar aggregate classification (germline): Uncertain significance. Review status: criteria provided, multiple submitters, no conflicts (2 of 4 stars). 4 submissions from 3 submitters: Uncertain significance (4). Last evaluated 2024-08-06.

Conditions:
Autosomal dominant nocturnal frontal lobe epilepsy 5. Also called: KCNT1-Related Epilepsy; CILIARY DYSKINESIA, PRIMARY, 28, WITHOUT SITUS INVERSUS; CILIARY DYSKINESIA, PRIMARY, 28, WITH SITUS INVERSUS; Epilepsy, nocturnal frontal lobe, 5. Identifiers: Orphanet 98784, MedGen C3554306, MONDO:0014002, OMIM 615005.
Developmental and epileptic encephalopathy, 14 (DEE14). Also called: Early infantile epileptic encephalopathy 14. Identifiers: Orphanet 293181, MedGen C3554195, MONDO:0013989, OMIM 614959.

Allele frequency attached by ClinVar (database versions not stated): gnomAD exomes below 0.00001; gnomAD 0.00001.
gnomAD v4.1: 2 of 1,572,266 alleles (0.00013%); highest among the groups gnomAD compares: African/African-American, 0.0014%; no homozygotes.

Submissions (4):

GeneDx
Classification: Uncertain significance. Last evaluated: 2024-08-06. Review status: criteria provided, single submitter. Criteria: GeneDx Variant Classification Process June 2021. Collection method: clinical testing. Allele origin: germline. Affected: yes.
Comment: Not observed at significant frequency in large population cohorts (gnomAD); In silico analysis indicates that this missense variant does not alter protein structure/function; Has not been previously published as pathogenic or benign to our knowledge

Labcorp Genetics (formerly Invitae), Labcorp
Classification: Uncertain significance for Autosomal dominant nocturnal frontal lobe epilepsy 5; Developmental and epileptic encephalopathy, 14. Last evaluated: 2022-04-24. Review status: criteria provided, single submitter. Criteria: Invitae Variant Classification Sherloc (09022015). Collection method: clinical testing. Allele origin: germline.
Comment: This sequence change replaces valine, which is neutral and non-polar, with alanine, which is neutral and non-polar, at codon 1066 of the KCNT1 protein (p.Val1066Ala). This variant is not present in population databases (gnomAD no frequency). In summary, the available evidence is currently insufficient to determine the role of this variant in disease. Therefore, it has been classified as a Variant of Uncertain Significance. Advanced modeling of protein sequence and biophysical properties (such as structural, functional, and spatial information, amino acid conservation, physicochemical variation, residue mobility, and thermodynamic stability) performed at Invitae indicates that this missense variant is not expected to disrupt KCNT1 protein function. ClinVar contains an entry for this variant (Variation ID: 449643). This variant has not been reported in the literature in individuals affected with KCNT1-related conditions.

Genome-Nilou Lab
Classification: Uncertain significance for Developmental and epileptic encephalopathy, 14. Last evaluated: 2022-03-15. Review status: criteria provided, single submitter. Criteria: ACMG Guidelines, 2015. Collection method: clinical testing. Allele origin: germline. Affected: no.

Genome-Nilou Lab
Classification: Uncertain significance for Autosomal dominant nocturnal frontal lobe epilepsy 5. Last evaluated: 2022-03-15. Review status: criteria provided, single submitter. Criteria: ACMG Guidelines, 2015. Collection method: clinical testing. Allele origin: germline. Affected: no.